The following is an entry in ClinVar:

ClinVar aggregate classification (germline): Pathogenic (1 of 4 stars; one submission).

Conditions:
Spastic paraplegia. Identifiers: MedGen C0037772, HP:0001258.

Submission:

Labcorp Genetics (formerly Invitae), Labcorp
Classification: Pathogenic for Spastic paraplegia. Last evaluated: 2022-06-17. Review status: criteria provided, single submitter. Criteria: Invitae Variant Classification Sherloc (09022015). Collection method: clinical testing. Allele origin: germline.
Comment: For these reasons, this variant has been classified as Pathogenic. This variant has not been reported in the literature in individuals affected with ZFYVE26-related conditions. This variant is not present in population databases (gnomAD no frequency). This sequence change creates a premature translational stop signal (p.Gln1117*) in the ZFYVE26 gene. It is expected to result in an absent or disrupted protein product. Loss-of-function variants in ZFYVE26 are known to be pathogenic (PMID: 18394578, 19805727).

Literature cited by the submitters: PubMed 18394578; PubMed 19805727.

NM_015346.4(ZFYVE26):c.3349C>T (p.Gln1117Ter)

Gene: ZFYVE26 (zinc finger FYVE-type containing 26; minus strand). Cytogenetic location: 14q24.1.
Variant type: single nucleotide variant.
Coding change: c.3349C>T on transcript NM_015346.4 (MANE Select); coding-DNA position 3349, C replaced by T.
Protein change: p.Gln1117Ter; replaces glutamine 1117 with a stop codon.
Molecular consequence: nonsense.
Genome position (GRCh38, 1-based): chr14:67,785,233, G>A on the plus strand (C>T on the coding strand, the complement: ZFYVE26 is on the minus strand). VCF-style: chr14-67785233-G-A. GRCh37 (hg19) VCF-style: chr14-68251950-G-A.
Other names: short protein forms Q1117*.
Identifiers: ClinVar variation 1370691 (VCV001370691.6), dbSNP rs2140226621, ClinGen allele CA390172444.